The following is an entry in ClinVar:

NM_201384.3(PLEC):c.4333C>T (p.Arg1445Cys)

Gene: PLEC (plectin; minus strand). Cytogenetic location: 8q24.3.
Variant type: single nucleotide variant.
Coding change: c.4333C>T on transcript NM_201384.3 (MANE Select); coding-DNA position 4333, C replaced by T.
Protein change: p.Arg1445Cys; replaces arginine 1445 with cysteine.
Molecular consequence: missense variant.
Genome position (GRCh38, 1-based): chr8:143,925,596, G>A on the plus strand (C>T on the coding strand, the complement: PLEC is on the minus strand). VCF-style: chr8-143925596-G-A. GRCh37 (hg19) VCF-style: chr8-144999764-G-A.
Other names: c.4414C>T (NM_000445.3); c.4414C>T, p.Arg1472Cys (NM_000445.5); c.4291C>T, p.Arg1431Cys (NM_201378.4); c.4267C>T, p.Arg1423Cys (NM_201379.3); c.4744C>T, p.Arg1582Cys (NM_201380.4); c.4237C>T, p.Arg1413Cys (NM_201381.3); c.4333C>T, p.Arg1445Cys (NM_201382.4); c.4345C>T, p.Arg1449Cys (NM_201383.3); short protein forms R1413C, R1423C, R1431C, R1445C, R1449C, R1472C, R1582C.
Identifiers: ClinVar variation 500310 (VCV000500310.13), dbSNP rs782018221, ClinGen allele CA4926700.

ClinVar aggregate classification (germline): Uncertain significance. Review status: criteria provided, multiple submitters, no conflicts (2 of 4 stars). 3 submissions from 3 submitters: Uncertain significance (3). Last evaluated 2025-10-03.

Conditions:
Epidermolysis bullosa simplex 5B, with muscular dystrophy (EBS5B). Also called: EPIDERMOLYSIS BULLOSA SIMPLEX AND LIMB-GIRDLE MUSCULAR DYSTROPHY; Epidermolysis bullosa simplex with muscular dystrophy. Identifiers: Orphanet 257, MedGen C2931072, MONDO:0009181, OMIM 226670.
Epidermolysis bullosa simplex, Ogna type (EBS5A). Also called: Pidermolysis bullosa simplex 5A, Ogna type; EPIDERMOLYSIS BULLOSA SIMPLEX 5A, OGNA TYPE. Identifiers: Orphanet 79401, MedGen C0432317, MONDO:0007555, OMIM 131950.
Autosomal recessive limb-girdle muscular dystrophy type 2Q (LGMDR17). Also called: MUSCULAR DYSTROPHY, LIMB-GIRDLE, AUTOSOMAL RECESSIVE 17. Identifiers: Orphanet 254361, MedGen C3150989, MONDO:0013390, OMIM 613723.
Epidermolysis bullosa simplex 5C, with pyloric atresia (EBS5C). Also called: Epidermolysis bullosa simplex with pyloric atresia; PLEC1-Related Epidermolysis Bullosa with Pyloric Atresia; PLEC-Related Epidermolysis Bullosa with Pyloric Atresia. Identifiers: Orphanet 158684, MedGen C2677349, MONDO:0012807, OMIM 612138.
Epidermolysis bullosa simplex with nail dystrophy (EBS5D). Identifiers: MedGen C4225309, MONDO:0014661, OMIM 616487.
Inborn genetic diseases. Identifiers: MedGen C0950123, MeSH D030342.

Allele frequency attached by ClinVar (database versions not stated): gnomAD 0.00002; TOPMed 0.00002.
gnomAD v4.1: 29 of 1,570,996 alleles (0.0018%); highest among the groups gnomAD compares: Admixed American, 0.011%; no homozygotes.

Submissions (3):

Labcorp Genetics (formerly Invitae), Labcorp
Classification: Uncertain significance for Autosomal recessive limb-girdle muscular dystrophy type 2Q; Epidermolysis bullosa simplex, Ogna type; Epidermolysis bullosa simplex with nail dystrophy; Epidermolysis bullosa simplex 5C, with pyloric atresia; Epidermolysis bullosa simplex 5B, with muscular dystrophy. Last evaluated: 2025-10-03. Review status: criteria provided, single submitter. Criteria: Invitae Variant Classification Sherloc (09022015). Collection method: clinical testing. Allele origin: germline.
Comment: This sequence change replaces arginine, which is basic and polar, with cysteine, which is neutral and slightly polar, at codon 1472 of the PLEC protein (p.Arg1472Cys). This variant is present in population databases (rs782018221, gnomAD 0.02%). This missense change has been observed in individual(s) with clinical features of PLEC-related conditions (internal data). ClinVar contains an entry for this variant (Variation ID: 500310). Experimental studies and prediction algorithms are not available or were not evaluated, and the functional significance of this variant is currently unknown. In summary, the available evidence is currently insufficient to determine the role of this variant in disease. Therefore, it has been classified as a Variant of Uncertain Significance.

Ambry Genetics
Classification: Uncertain significance for Inborn genetic diseases. Last evaluated: 2023-08-04. Review status: criteria provided, single submitter. Criteria: Ambry Variant Classification Scheme 2023. Collection method: clinical testing. Allele origin: germline.

Eurofins Ntd Llc (ga)
Classification: Uncertain significance. Last evaluated: 2017-02-03. Review status: criteria provided, single submitter. Criteria: EGL Classification Definitions 2015. Collection method: clinical testing. Allele origin: germline. Observed: 1 variant allele, 1 heterozygote.